The following is an entry in ClinVar:

ClinVar aggregate classification (germline): Pathogenic (1 of 4 stars; one submission).

Submission:

Labcorp Genetics (formerly Invitae), Labcorp
Classification: Pathogenic. Last evaluated: 2024-04-02. Review status: criteria provided, single submitter. Criteria: Invitae Variant Classification Sherloc (09022015). Collection method: clinical testing. Allele origin: germline.
Comment: This sequence change creates a premature translational stop signal (p.Phe362Leufs*14) in the ACAN gene. It is expected to result in an absent or disrupted protein product. Loss-of-function variants in ACAN are known to be pathogenic (PMID: 16080123, 24762113). This variant is not present in population databases (gnomAD no frequency). This variant has not been reported in the literature in individuals affected with ACAN-related conditions. For these reasons, this variant has been classified as Pathogenic.

Literature cited by the submitters: PubMed 16080123; PubMed 24762113.

NM_001369268.1(ACAN):c.1083del (p.Phe362fs)

Gene: ACAN (aggrecan; plus strand). Cytogenetic location: 15q26.1.
Variant type: Deletion.
Coding change: c.1083del on transcript NM_001369268.1 (MANE Select); coding-DNA position 1083, one base deleted (C; older notation c.1083delC).
Protein change: p.Phe362fs; shifts the reading frame from phenylalanine 362.
Molecular consequence: frameshift variant.
Genome position (GRCh38, 1-based): chr15:88,845,536, C deleted. VCF-style (leftmost placement, unchanged base first): chr15-88845535-TC-T. GRCh37 (hg19) VCF-style: chr15-89388766-TC-T.
Other names: c.1083del, p.Phe362fs (NM_001135.4, NM_001411096.1, NM_001411097.1 and 1 more transcripts); short protein forms F362fs.
Identifiers: ClinVar variation 2714173 (VCV002714173.3), dbSNP rs2505261152, ClinGen allele CA2697549300.